The following is an entry in ClinVar:

ClinVar aggregate classification (germline): Likely benign (1 of 4 stars; one submission).

Allele frequency attached by ClinVar (database versions not stated): gnomAD exomes 0.00003; ExAC 0.00005; gnomAD 0.00007.
gnomAD v4.1: 59 of 1,595,342 alleles (0.0037%); highest among the groups gnomAD compares: Non-Finnish European, 0.0045%; no homozygotes.

Submission:

CeGaT Center for Human Genetics Tuebingen
Classification: Likely benign. Last evaluated: 2022-08-01. Review status: criteria provided, single submitter. Criteria: CeGaT Center For Human Genetics Tuebingen Variant Classification Criteria Version 2. Collection method: clinical testing. Allele origin: germline. Affected: yes. Observed: 1 variant allele.
Comment: TXNDC2: BP4, BP7

NM_032243.6(TXNDC2):c.885C>T (p.Ser295=)

Gene: TXNDC2 (thioredoxin domain containing 2; plus strand). Cytogenetic location: 18p11.22.
Variant type: single nucleotide variant.
Coding change: c.885C>T on transcript NM_032243.6 (MANE Select); coding-DNA position 885, C replaced by T.
Protein change: p.Ser295=; no amino-acid change (serine 295 retained).
Molecular consequence: synonymous variant.
Genome position (GRCh38, 1-based): chr18:9,887,565, C>T. VCF-style: chr18-9887565-C-T. GRCh37 (hg19) VCF-style: chr18-9887562-C-T.
Other names: c.1086C>T, p.Ser362= (NM_001098529.2); c.885C>T, p.Ser295= (NM_001098530.1).
Identifiers: ClinVar variation 2648574 (VCV002648574.24), dbSNP rs758966819, ClinGen allele CA8890443.